The following is an entry in ClinVar:

ClinVar aggregate classification (germline): Uncertain significance. Review status: criteria provided, multiple submitters, no conflicts (2 of 4 stars). 2 submissions from 2 submitters: Uncertain significance (2). Last evaluated 2026-03-05.

Conditions:
TTN-related disorder. Also called: TTN-related disorders; TTN-related condition; TTN-related disease.
Cardiovascular phenotype. Identifiers: MedGen CN230736.

Allele frequency attached by ClinVar (database versions not stated): TOPMed below 0.00001; gnomAD exomes 0.00001; ExAC 0.00003; gnomAD 0.00005.
gnomAD v4.1: 28 of 1,613,814 alleles (0.0017%); highest among the groups gnomAD compares: South Asian, 0.0077%; no homozygotes.

Submissions (2):

PreventionGenetics, part of Exact Sciences
Classification: Uncertain significance for TTN-related condition. Last evaluated: 2026-03-05. Review status: criteria provided, single submitter. Criteria: ACMG Guidelines, 2015. Collection method: clinical testing. Allele origin: germline.
Comment: The TTN c.102550G>A variant is predicted to result in the amino acid substitution p.Glu34184Lys. This variant has been reported in an individual with dilated cardiomyopathy (Table S3, Mazzarotto et al. 2020. PubMed ID: 31983221). This variant is reported in 0.016% of alleles in individuals of European (Finnish) descent in gnomAD. At this time, the clinical significance of this variant is uncertain due to the absence of conclusive functional and genetic evidence.

Ambry Genetics
Classification: Uncertain significance for Cardiovascular phenotype. Last evaluated: 2020-03-05. Review status: criteria provided, single submitter. Criteria: Ambry Variant Classification Scheme 2023. Collection method: clinical testing. Allele origin: germline.
Comment: The p.E25119K variant (also known as c.75355G>A), located in coding exon 185 of the TTN gene, results from a G to A substitution at nucleotide position 75355. The glutamic acid at codon 25119 is replaced by lysine, an amino acid with similar properties. This amino acid position is highly conserved in available vertebrate species. In addition, this alteration is predicted to be tolerated by in silico analysis. Since supporting evidence is limited at this time, the clinical significance of this alteration remains unclear.

NM_001267550.2(TTN):c.102550G>A (p.Glu34184Lys)

Genes: TTN-AS1 (TTN antisense RNA 1; plus strand), TTN (titin; minus strand). Cytogenetic location: 2q31.2.
Variant type: single nucleotide variant.
Coding change: c.102550G>A on transcript NM_001267550.2 (MANE Select); coding-DNA position 102550, G replaced by A.
Protein change: p.Glu34184Lys; replaces glutamic acid 34184 with lysine.
Molecular consequence: missense variant.
Genome position (GRCh38, 1-based): chr2:178,534,065, C>T on the plus strand (G>A on the coding strand, the complement: TTN is on the minus strand). VCF-style: chr2-178534065-C-T. GRCh37 (hg19) VCF-style: chr2-179398792-C-T.
Other names: c.97627G>A, p.Glu32543Lys (NM_001256850.1); c.75355G>A, p.Glu25119Lys (NM_003319.4); c.94846G>A, p.Glu31616Lys (NM_133378.4); c.75730G>A, p.Glu25244Lys (NM_133432.3); c.75931G>A, p.Glu25311Lys (NM_133437.4); short protein forms E25119K, E25311K, E34184K, E25244K, E31616K, E32543K.
Identifiers: ClinVar variation 1759398 (VCV001759398.3), dbSNP rs776306284, ClinGen allele CA1985737.